The following is an entry in ClinVar:

ClinVar aggregate classification (germline): Uncertain significance. Review status: criteria provided, multiple submitters, no conflicts (2 of 4 stars). 4 submissions from 4 submitters: Uncertain significance (3). 1 of the submissions does not count toward it. Last evaluated 2025-10-18.

Conditions:
RAB3GAP1-related disorder. Also called: RAB3GAP1-related condition; RAB3GAP1-related disorders.
Inborn genetic diseases. Identifiers: MedGen C0950123, MeSH D030342.

Allele frequency attached by ClinVar (database versions not stated): TOPMed 0.00001.
gnomAD v4.1: 16 of 1,613,142 alleles (0.00099%); highest among the groups gnomAD compares: Middle Eastern, 0.017%; no homozygotes.

Submissions (4):

Ambry Genetics
Classification: Uncertain significance for Inborn genetic diseases. Last evaluated: 2025-10-18. Review status: criteria provided, single submitter. Criteria: Ambry Variant Classification Scheme 2023. Collection method: clinical testing. Allele origin: germline.

Labcorp Genetics (formerly Invitae), Labcorp
Classification: Uncertain significance. Last evaluated: 2022-06-19. Review status: criteria provided, single submitter. Criteria: Invitae Variant Classification Sherloc (09022015). Collection method: clinical testing. Allele origin: germline.
Comment: This sequence change replaces arginine, which is basic and polar, with glycine, which is neutral and non-polar, at codon 892 of the RAB3GAP1 protein (p.Arg892Gly). This variant is not present in population databases (gnomAD no frequency). This variant has not been reported in the literature in individuals affected with RAB3GAP1-related conditions. ClinVar contains an entry for this variant (Variation ID: 1191587). Algorithms developed to predict the effect of missense changes on protein structure and function (SIFT, PolyPhen-2, Align-GVGD) all suggest that this variant is likely to be tolerated. In summary, the available evidence is currently insufficient to determine the role of this variant in disease. Therefore, it has been classified as a Variant of Uncertain Significance.

GeneDx
Classification: Uncertain significance. Last evaluated: 2019-11-20. Review status: criteria provided, single submitter. Criteria: GeneDx Variant Classification Process June 2021. Collection method: clinical testing. Allele origin: germline. Affected: yes.
Comment: Not observed in large population cohorts (Lek et al., 2016); In silico analysis, which includes protein predictors and evolutionary conservation, supports that this variant does not alter protein structure/function; Has not been previously published as pathogenic or benign to our knowledge

PreventionGenetics, part of Exact Sciences
Classification: Uncertain significance for RAB3GAP1-related condition. Last evaluated: 2024-07-27. Review status: no assertion criteria provided. Collection method: clinical testing. Allele origin: germline. Not counted in ClinVar's aggregate classification.
Comment: The RAB3GAP1 c.2674A>G variant is predicted to result in the amino acid substitution p.Arg892Gly. To our knowledge, this variant has not been reported in the literature or in a large population database, indicating this variant is rare. At this time, the clinical significance of this variant is uncertain due to the absence of conclusive functional and genetic evidence.

NM_012233.3(RAB3GAP1):c.2674A>G (p.Arg892Gly)

Gene: RAB3GAP1 (RAB3 GTPase activating protein catalytic subunit 1; plus strand). Cytogenetic location: 2q21.3.
Variant type: single nucleotide variant.
Coding change: c.2674A>G on transcript NM_012233.3 (MANE Select); coding-DNA position 2674, A replaced by G.
Protein change: p.Arg892Gly; replaces arginine 892 with glycine.
Molecular consequence: missense variant.
Genome position (GRCh38, 1-based): chr2:135,164,661, A>G. VCF-style: chr2-135164661-A-G. GRCh37 (hg19) VCF-style: chr2-135922231-A-G.
Other names: c.2674A>G, p.Arg892Gly (NM_001172435.2); short protein forms R892G.
Identifiers: ClinVar variation 1191587 (VCV001191587.6), dbSNP rs1558806901, ClinGen allele CA348586832.